The following is an entry in ClinVar:

ClinVar aggregate classification (germline): Likely pathogenic (1 of 4 stars; one submission).

Conditions:
Cockayne syndrome type 2 (CSB). Also called: COCKAYNE SYNDROME B; Cockayne Syndrome, Type II. Identifiers: Orphanet 191, Orphanet 90322, MedGen C0751038, MONDO:0019570, OMIM 133540.

Submission:

Myriad Genetics, Inc.
Classification: Likely pathogenic for Cockayne syndrome type 2. Last evaluated: 2022-01-02. Review status: criteria provided, single submitter. Criteria: Myriad Women's Health Autosomal Recessive and X-Linked Classification Criteria (2021). Collection method: clinical testing. Allele origin: unknown.
Comment: NM_000124.2(ERCC6):c.2881_2882ins7(R961Ifs*11) is expected to be pathogenic in the context of ERCC6-related disorders. This variant is predicted to lead to an abnormal or absent protein product due to the creation of a premature termination codon in ERCC6, a gene where loss-of-function variants are known to be pathogenic. Please note: this variant was assessed in the context of healthy population screening.

NM_000124.4(ERCC6):c.2881_2882insTCTTCGT (p.Arg961fs)

Genes: ERCC6 (ERCC excision repair 6, chromatin remodeling factor; minus strand), LOC126860933 (BRD4-independent group 4 enhancer GRCh37_chr10:50679962-50681161; plus strand). Cytogenetic location: 10q11.23.
Variant type: Insertion.
Coding change: c.2881_2882insTCTTCGT on transcript NM_000124.4 (MANE Select); coding-DNA positions 2881 to 2882, TCTTCGT inserted.
Protein change: p.Arg961fs; shifts the reading frame from arginine 961.
Molecular consequence: frameshift variant.
Genome position: GRCh38 VCF-style: chr10-49472418-C-CACGAAGA. GRCh37 (hg19) VCF-style: chr10-50680464-C-CACGAAGA.
Other names: c.2881_2882insTCTTCGT, p.Arg961fs (NM_001346440.2); short protein forms R961fs.
Identifiers: ClinVar variation 1726883 (VCV001726883.2), dbSNP rs2495978266, ClinGen allele CA2580081574.